The following is an entry in ClinVar:

NM_001077365.2(POMT1):c.2141G>A (p.Trp714Ter)

Gene: POMT1 (protein O-mannosyltransferase 1; plus strand). Cytogenetic location: 9q34.13.
Variant type: single nucleotide variant.
Coding change: c.2141G>A on transcript NM_001077365.2 (MANE Select); coding-DNA position 2141, G replaced by A.
Protein change: p.Trp714Ter; replaces tryptophan 714 with a stop codon.
Molecular consequence: nonsense. On other transcripts: non-coding transcript variant (10).
Genome position (GRCh38, 1-based): chr9:131,523,069, G>A. VCF-style: chr9-131523069-G-A. GRCh37 (hg19) VCF-style: chr9-134398456-G-A.
Other names: c.1979G>A, p.Trp660Ter (NM_001077366.2, NM_001353194.2); c.2141G>A, p.Trp714Ter (NM_001136113.2); c.1790G>A, p.Trp597Ter (NM_001136114.2, NM_001353195.2, NM_001374691.1 and 2 more transcripts); c.2207G>A, p.Trp736Ter (NM_001353193.2, NM_007171.4); c.2051G>A, p.Trp684Ter (NM_001353196.2); c.2045G>A, p.Trp682Ter (NM_001353197.2, NM_001353198.2); c.1856G>A, p.Trp619Ter (NM_001353199.2); c.1685G>A, p.Trp562Ter (NM_001353200.2); and 4 more; short protein forms W597*, W710*, W337*, W562*, W714*, W619*, W660*, W584*.
Identifiers: ClinVar variation 1998907 (VCV001998907.5), dbSNP rs2539514312, ClinGen allele CA375315388.

ClinVar aggregate classification (germline): Conflicting classifications of pathogenicity. Review status: criteria provided, conflicting classifications (1 of 4 stars). 2 submissions from 2 submitters: Pathogenic (1); Uncertain significance (1). Last evaluated 2024-10-18.

Conditions:
Walker-Warburg congenital muscular dystrophy. Also called: Muscular dystrophy-dystroglycanopathy, type A; Walker-Warburg syndrome. Identifiers: Orphanet 899, MedGen C0265221, MONDO:0000171.
Muscular dystrophy-dystroglycanopathy (congenital with impaired intellectual development), type B, 1. Also called: MUSCULAR DYSTROPHY, CONGENITAL, POMT1-RELATED; Muscular dystrophy-dystroglycanopathy (congenital with intellectual disability), type B1. Identifiers: MedGen C5436962, MONDO:0013159, OMIM 613155.
Autosomal recessive limb-girdle muscular dystrophy type 2K. Also called: MUSCULAR DYSTROPHY-DYSTROGLYCANOPATHY (LIMB-GIRDLE), TYPE C, 1; MUSCULAR DYSTROPHY, LIMB-GIRDLE, TYPE 2K. Identifiers: Orphanet 86812, MedGen C1836373, MONDO:0012248, OMIM 609308.

Allele frequency attached by ClinVar (database versions not stated): gnomAD exomes below 0.00001.

Submissions (2):

Blueprint Genetics
Classification: Uncertain significance. Last evaluated: 2024-10-18. Review status: criteria provided, single submitter. Criteria: ACMG Guidelines, 2015. Collection method: clinical testing. Allele origin: germline.

Labcorp Genetics (formerly Invitae), Labcorp
Classification: Pathogenic for Muscular dystrophy-dystroglycanopathy (congenital with impaired intellectual development), type B, 1; Walker-Warburg congenital muscular dystrophy; Autosomal recessive limb-girdle muscular dystrophy type 2K. Last evaluated: 2023-07-13. Review status: criteria provided, single submitter. Criteria: Invitae Variant Classification Sherloc (09022015). Collection method: clinical testing. Allele origin: germline.
Comment: This sequence change creates a premature translational stop signal (p.Trp736*) in the POMT1 gene. While this is not anticipated to result in nonsense mediated decay, it is expected to disrupt the last 12 amino acid(s) of the POMT1 protein. This variant is not present in population databases (gnomAD no frequency). This premature translational stop signal has been observed in individual(s) with muscular dystrophy-dystroglycanopathy (PMID: 22499106, 27193224). In at least one individual the data is consistent with being in trans (on the opposite chromosome) from a pathogenic variant. ClinVar contains an entry for this variant (Variation ID: 1998907). Algorithms developed to predict the effect of variants on protein structure and function are not available or were not evaluated for this variant. Experimental studies have shown that this premature translational stop signal affects POMT1 function (PMID: 27193224). For these reasons, this variant has been classified as Pathogenic.

Literature cited by the submitters: PubMed 22499106 (cited by Labcorp Genetics (formerly Invitae), Labcorp); PubMed 27193224 (cited by Labcorp Genetics (formerly Invitae), Labcorp).